The following is an entry in ClinVar:

ClinVar aggregate classification (germline): Conflicting classifications of pathogenicity. Review status: criteria provided, conflicting classifications (1 of 4 stars). 6 submissions from 6 submitters: Uncertain significance (5); Likely benign (1). Last evaluated 2026-03-19.

Conditions:
Hereditary cancer-predisposing syndrome. Also called: Hereditary Cancer Syndrome; Tumor predisposition; Hereditary neoplastic syndrome; Neoplastic Syndromes, Hereditary. Identifiers: Orphanet 140162, MedGen C0027672, MeSH D009386, MONDO:0015356.
Chuvash polycythemia. Also called: POLYCYTHEMIA, VHL-DEPENDENT. Identifiers: Orphanet 238557, MedGen C1837915, MONDO:0009892, OMIM 263400.
Von Hippel-Lindau syndrome (VHLS). Also called: von Hippel–Lindau syndrome; VHL syndrome; Von Hippel-Lindau. Identifiers: Orphanet 892, MedGen C0019562, MONDO:0008667, OMIM 193300. Disease mechanism: loss of function.

Allele frequency attached by ClinVar (database versions not stated): gnomAD exomes 0.00003 and 0.00002; ExAC 0.00002; TOPMed 0.00002.
gnomAD v4.1: 37 of 1,614,162 alleles (0.0023%); highest among the groups gnomAD compares: Admixed American, 0.0033%; no homozygotes.

Submissions (6):

Ambry Genetics
Classification: Likely benign for Hereditary cancer-predisposing syndrome. Last evaluated: 2026-03-19. Review status: criteria provided, single submitter. Criteria: Ambry Variant Classification Scheme 2023. Collection method: clinical testing. Allele origin: germline.

Labcorp Genetics (formerly Invitae), Labcorp
Classification: Uncertain significance for Von Hippel-Lindau syndrome; Chuvash polycythemia. Last evaluated: 2025-11-24. Review status: criteria provided, single submitter. Criteria: Invitae Variant Classification Sherloc (09022015). Collection method: clinical testing. Allele origin: germline.
Comment: This sequence change replaces threonine, which is neutral and polar, with isoleucine, which is neutral and non-polar, at codon 202 of the VHL protein (p.Thr202Ile). This variant is present in population databases (rs779514074, gnomAD 0.007%). This variant has not been reported in the literature in individuals affected with VHL-related conditions. ClinVar contains an entry for this variant (Variation ID: 411984). Invitae Evidence Modeling of protein sequence and biophysical properties (such as structural, functional, and spatial information, amino acid conservation, physicochemical variation, residue mobility, and thermodynamic stability) has been performed for this missense variant. However, the output from this modeling did not meet the statistical confidence thresholds required to predict the impact of this variant on VHL protein function. In summary, the available evidence is currently insufficient to determine the role of this variant in disease. Therefore, it has been classified as a Variant of Uncertain Significance.

All of Us Research Program, National Institutes of Health
Classification: Uncertain significance for Von Hippel-Lindau syndrome. Last evaluated: 2024-08-06. Review status: criteria provided, single submitter. Criteria: ACMG Guidelines, 2015. Collection method: clinical testing. Allele origin: germline. Inheritance: Autosomal dominant inheritance. Observed: 1 variant allele, 1 heterozygote.
Comment: This missense variant replaces threonine with isoleucine at codon 202 of the VHL protein. Computational prediction is inconclusive regarding the impact of this variant on protein structure and function (internally defined REVEL score threshold 0.5 < inconclusive < 0.7, PMID: 27666373). To our knowledge, functional studies have not been reported for this variant. This variant has not been reported in individuals affected with hereditary cancer in the literature. This variant has been identified in 5/251350 chromosomes in the general population by the Genome Aggregation Database (gnomAD). The available evidence is insufficient to determine the role of this variant in disease conclusively. Therefore, this variant is classified as a Variant of Uncertain Significance.

This study involves interpretation of variants in research participants for the purpose of population health screening. Participant phenotype was not available at the time of variant classification. Additional details can be found in publication PMID: 35346344, PMCID: PMC8962531

Baylor Genetics
Classification: Uncertain significance for Chuvash polycythemia. Last evaluated: 2023-07-03. Review status: criteria provided, single submitter. Criteria: ACMG Guidelines, 2015. Collection method: clinical testing. Allele origin: unknown.

St. Jude Molecular Pathology, St. Jude Children's Research Hospital
Classification: Uncertain significance for Von Hippel-Lindau syndrome. Last evaluated: 2023-01-19. Review status: criteria provided, single submitter. Criteria: St. Jude Assertion Criteria 2020. Collection method: clinical testing. Allele origin: germline.
Comment: The VHL c.605C>T (p.Thr202Ile) missense change has a maximum subpopulation frequency of 0.0062% in gnomAD v2.1.1. The in silico tool REVEL is inconclusive about a pathogenic or benign effect of this variant on protein function, and to our knowledge functional studies have not been performed. A VHL-specific in silico multiparametric scoring algorithm indicated that this variant is more likely to be associated with disease (PMID: 33151962). To our knowledge, this variant has not been reported in individuals with Von Hippel-Lindau disease. In summary, the evidence currently available is insufficient to determine the role of this variant in disease. It has therefore been classified as of uncertain significance.

Mayo Clinic Laboratories, Mayo Clinic
Classification: Uncertain significance. Last evaluated: 2022-09-23. Review status: criteria provided, single submitter. Criteria: ACMG Guidelines, 2015. Collection method: clinical testing. Allele origin: germline. Observed: 1 variant allele.

Literature cited by the submitters: PubMed 38969834 (cited by Ambry Genetics).

NM_000551.4(VHL):c.605C>T (p.Thr202Ile)

Genes: VHL (von Hippel-Lindau tumor suppressor; plus strand), LOC107303340 (3p25 von Hippel-Lindau tumor suppressor, E3 ubiquitin protein ligase Alu-mediated recombination region; plus strand). Cytogenetic location: 3p25.3.
Variant type: single nucleotide variant.
Coding change: c.605C>T on transcript NM_000551.4 (MANE Select); coding-DNA position 605, C replaced by T.
Protein change: p.Thr202Ile; replaces threonine 202 with isoleucine.
Molecular consequence: missense variant. On other transcripts: 3 prime UTR variant (1).
Genome position (GRCh38, 1-based): chr3:10,149,928, C>T. VCF-style: chr3-10149928-C-T. GRCh37 (hg19) VCF-style: chr3-10191612-C-T.
Other names: p.Thr202Ile; c.*159C>T (NM_001354723.2); c.482C>T, p.Thr161Ile (NM_198156.3); short protein forms T202I, T161I.
Identifiers: ClinVar variation 411984 (VCV000411984.18), dbSNP rs779514074, ClinGen allele CA041863.